The following is an entry in ClinVar:

ClinVar aggregate classification (germline): Uncertain significance (1 of 4 stars; one submission).

Conditions:
Cardiovascular phenotype. Identifiers: MedGen CN230736.

gnomAD v4.1: 11 of 1,612,524 alleles (0.00068%); highest among the groups gnomAD compares: South Asian, 0.0011%; no homozygotes.

Submission:

Ambry Genetics
Classification: Uncertain significance for Cardiovascular phenotype. Last evaluated: 2024-01-27. Review status: criteria provided, single submitter. Criteria: Ambry Variant Classification Scheme 2023. Collection method: clinical testing. Allele origin: germline.
Comment: The p.F320V variant (also known as c.958T>G), located in coding exon 9 of the PRDM5 gene, results from a T to G substitution at nucleotide position 958. The phenylalanine at codon 320 is replaced by valine, an amino acid with highly similar properties. This amino acid position is conserved. In addition, the in silico prediction for this alteration is inconclusive. Based on the available evidence, the clinical significance of this alteration remains unclear.

NM_018699.4(PRDM5):c.958T>G (p.Phe320Val)

Gene: PRDM5 (PR/SET domain 5; minus strand). Cytogenetic location: 4q27.
Variant type: single nucleotide variant.
Coding change: c.958T>G on transcript NM_018699.4 (MANE Select); coding-DNA position 958, T replaced by G.
Protein change: p.Phe320Val; replaces phenylalanine 320 with valine.
Molecular consequence: missense variant.
Genome position (GRCh38, 1-based): chr4:120,799,733, A>C on the plus strand (T>G on the coding strand, the complement: PRDM5 is on the minus strand). VCF-style: chr4-120799733-A-C. GRCh37 (hg19) VCF-style: chr4-121720888-A-C.
Other names: c.865T>G, p.Phe289Val (NM_001300823.2, NM_001300824.2, NM_001379106.1); c.958T>G, p.Phe320Val (NM_001379104.1); short protein forms F289V, F320V.
Identifiers: ClinVar variation 2258707 (VCV002258707.2), dbSNP rs975072246, ClinGen allele CA105119652.